The following is an entry in ClinVar:

ClinVar aggregate classification (germline): Likely benign (0 of 4 stars; one submission).

Conditions:
COPA-related disorder. Also called: COPA-related condition.

Submission:

PreventionGenetics, part of Exact Sciences
Classification: Likely benign for COPA-related condition. Last evaluated: 2024-03-21. Review status: no assertion criteria provided. Collection method: clinical testing. Allele origin: germline.
Comment: This variant is classified as likely benign based on ACMG/AMP sequence variant interpretation guidelines (Richards et al. 2015 PMID: 25741868, with internal and published modifications).

NM_004371.4(COPA):c.1830+8G>C

Gene: COPA (COPI coat complex subunit alpha; minus strand). Cytogenetic location: 1q23.2.
Variant type: single nucleotide variant.
Coding change: c.1830+8G>C on transcript NM_004371.4 (MANE Select); 8 bases into the intron after coding-DNA position 1830, G replaced by C.
Molecular consequence: intron variant.
Genome position (GRCh38, 1-based): chr1:160,299,094, C>G on the plus strand (G>C on the coding strand, the complement: COPA is on the minus strand). VCF-style: chr1-160299094-C-G. GRCh37 (hg19) VCF-style: chr1-160268884-C-G.
Other names: c.1857+8G>C (NM_001098398.2).
Identifiers: ClinVar variation 3348988 (VCV003348988.1).